The following is an entry in ClinVar:

NM_001326342.2(CELF2):c.586A>G (p.Ile196Val)

Gene: CELF2 (CUGBP Elav-like family member 2; plus strand). Cytogenetic location: 10p14.
Variant type: single nucleotide variant.
Coding change: c.586A>G on transcript NM_001326342.2 (MANE Select); coding-DNA position 586, A replaced by G.
Protein change: p.Ile196Val; replaces isoleucine 196 with valine.
Molecular consequence: missense variant. On other transcripts: intron variant (2).
Genome position (GRCh38, 1-based): chr10:11,266,645, A>G. VCF-style: chr10-11266645-A-G. GRCh37 (hg19) VCF-style: chr10-11308608-A-G.
Other names: c.493A>G, p.Ile165Val (NM_001025076.2, NM_001083591.1, NM_001326317.2 and 15 more transcripts); c.565A>G, p.Ile189Val (NM_001025077.3, NM_001394502.1, NM_001326331.2 and 4 more transcripts); c.658A>G, p.Ile220Val (NM_001326325.2); c.601A>G, p.Ile201Val (NM_001326326.2, NM_001326327.2); c.232A>G, p.Ile78Val (NM_001326338.2, NM_001326339.2); c.586A>G, p.Ile196Val (NM_001326340.2, NM_001326341.2, NM_001326343.2 and 4 more transcripts); c.517A>G, p.Ile173Val (NM_001326347.1); c.-87-4021A>G (NM_001326333.2, NM_001326346.2); short protein forms I165V, I173V, I189V, I196V, I201V, I220V, I78V.
Identifiers: ClinVar variation 4535363 (VCV004535363.6).
Genomic context (GRCh38, chr10:11,266,645, plus strand): 5'-TTGTTTCCCACAGGCTGTGCGTTTGTCACATTTTCTACAAGGGCAATGGCACAGAATGCA[A>G]TCAAAGCCATGCATCAGTCTCAGACCATGGAGGTACTGTATCATCTGCCCTTTCTTTGTT-3'
Protein context (NP_001313271.1, residues 186-206): FSTRAMAQNA[Ile196Val]KAMHQSQTME

ClinVar aggregate classification (germline): Uncertain significance (1 of 4 stars; one submission).

gnomAD v4.1: 1 of 1,613,994 alleles (0.000062%); highest among the groups gnomAD compares: Non-Finnish European, 0.000085%; no homozygotes.

Submission:

CeGaT Center for Human Genetics Tuebingen
Classification: Uncertain significance. Last evaluated: 2025-11-01. Review status: criteria provided, single submitter. Criteria: CeGaT Center For Human Genetics Tuebingen Variant Classification Criteria Version 2. Collection method: clinical testing. Allele origin: germline. Affected: yes. Observed: 1 variant allele.
Comment: CELF2: PM2:Supporting, PP2